The following is an entry in ClinVar:

NM_000283.4(PDE6B):c.2115_2116delinsAT (p.Lys706Ter)

Gene: PDE6B (phosphodiesterase 6B; plus strand). Cytogenetic location: 4p16.3.
Variant type: Indel.
Coding change: c.2115_2116delinsAT on transcript NM_000283.4 (MANE Select); coding-DNA positions 2115 to 2116, GA replaced by AT.
Protein change: p.Lys706Ter; replaces lysine 706 with a stop codon.
Molecular consequence: nonsense.
Genome position (GRCh38, 1-based): chr4:664,207-664,208, GA replaced by AT. VCF-style: chr4-664207-GA-AT. GRCh37 (hg19) VCF-style: chr4-657996-GA-AT.
Other names: c.2115_2116delinsAT, p.Lys706Ter (NM_001145291.2); c.1278_1279delinsAT, p.Lys427Ter (NM_001145292.2, NM_001350154.3, NM_001379246.1 and 1 more transcripts); c.960_961delinsAT, p.Lys321Ter (NM_001350155.3); short protein forms K706*, K321*, K427*.
Identifiers: ClinVar variation 865916 (VCV000865916.10), dbSNP rs1737503567, ClinGen allele CA916082623.

ClinVar aggregate classification (germline): Pathogenic (1 of 4 stars; one submission).

Submission:

Labcorp Genetics (formerly Invitae), Labcorp
Classification: Pathogenic. Last evaluated: 2025-01-21. Review status: criteria provided, single submitter. Criteria: Invitae Variant Classification Sherloc (09022015). Collection method: clinical testing. Allele origin: germline.
Comment: This sequence change creates a premature translational stop signal (p.Lys706*) in the PDE6B gene. It is expected to result in an absent or disrupted protein product. Loss-of-function variants in PDE6B are known to be pathogenic (PMID: 8394174, 8595886, 22334370). Information on the frequency of this variant in the gnomAD database is not available, as this variant may be reported differently in the database. This premature translational stop signal has been observed in individual(s) with autosomal recessive retinitis pigmentosa (PMID: 7724547, 26667666, 28130426). In at least one individual the data is consistent with being in trans (on the opposite chromosome) from a pathogenic variant. It has also been observed to segregate with disease in related individuals. ClinVar contains an entry for this variant (Variation ID: 865916). For these reasons, this variant has been classified as Pathogenic.

Literature cited by the submitters: PubMed 8394174; PubMed 8595886; PubMed 22334370; PubMed 7724547; PubMed 26667666; PubMed 28130426.